The following is an entry in ClinVar:

NM_003477.3(PDHX):c.173A>C (p.Lys58Thr)

Gene: PDHX (pyruvate dehydrogenase complex component X; plus strand). Cytogenetic location: 11p13.
Variant type: single nucleotide variant.
Coding change: c.173A>C on transcript NM_003477.3 (MANE Select); coding-DNA position 173, A replaced by C.
Protein change: p.Lys58Thr; replaces lysine 58 with threonine.
Molecular consequence: missense variant. On other transcripts: 5 prime UTR variant (1).
Genome position (GRCh38, 1-based): chr11:34,931,416, A>C. VCF-style: chr11-34931416-A-C. GRCh37 (hg19) VCF-style: chr11-34952963-A-C.
Other names: c.-8A>C (NM_001135024.2); c.173A>C, p.Lys58Thr (NM_001166158.2); c.173A>C (NM_003477.2); short protein forms K58T.
Identifiers: ClinVar variation 1986900 (VCV001986900.4), dbSNP rs1195603631, ClinGen allele CA380126091.
Genomic context (GRCh38, chr11:34,931,416, plus strand): 5'-GAGGTGCATTATTTGTTGTGGCTCATCTTTCCTTTTTTTCAATTTCAGGTGATCCCATTA[A>C]GATACTAATGCCATCACTGTCTCCTACAATGGAAGAAGGAAACATTGTGAAATGGCTGAA-3'
Protein context (NP_003468.2, residues 48-68): STQWLRGDPI[Lys58Thr]ILMPSLSPTM

ClinVar aggregate classification (germline): Uncertain significance. Review status: criteria provided, multiple submitters, no conflicts (2 of 4 stars). 2 submissions from 2 submitters: Uncertain significance (2). Last evaluated 2025-05-01.

Conditions:
Inborn genetic diseases. Identifiers: MedGen C0950123, MeSH D030342.

Allele frequency attached by ClinVar (database versions not stated): gnomAD 0.00001; gnomAD exomes 0.00001; TOPMed below 0.00001.
gnomAD v4.1: 11 of 1,595,304 alleles (0.00069%); highest among the groups gnomAD compares: Non-Finnish European, 0.00095%; no homozygotes.

Submissions (2):

Ambry Genetics
Classification: Uncertain significance for Inborn genetic diseases. Last evaluated: 2025-05-01. Review status: criteria provided, single submitter. Criteria: Ambry Variant Classification Scheme 2023. Collection method: clinical testing. Allele origin: germline.

Labcorp Genetics (formerly Invitae), Labcorp
Classification: Uncertain significance. Last evaluated: 2022-07-06. Review status: criteria provided, single submitter. Criteria: Invitae Variant Classification Sherloc (09022015). Collection method: clinical testing. Allele origin: germline.
Comment: This sequence change replaces lysine, which is basic and polar, with threonine, which is neutral and polar, at codon 58 of the PDHX protein (p.Lys58Thr). This variant is present in population databases (no rsID available, gnomAD 0.0009%). This variant has not been reported in the literature in individuals affected with PDHX-related conditions. Algorithms developed to predict the effect of missense changes on protein structure and function output the following: SIFT: "Tolerated"; PolyPhen-2: "Benign"; Align-GVGD: "Class C0". The threonine amino acid residue is found in multiple mammalian species, which suggests that this missense change does not adversely affect protein function. In summary, the available evidence is currently insufficient to determine the role of this variant in disease. Therefore, it has been classified as a Variant of Uncertain Significance.